The following is an entry in ClinVar:

ClinVar aggregate classification (germline): Uncertain significance. Review status: criteria provided, multiple submitters, no conflicts (2 of 4 stars). 6 submissions from 4 submitters: Uncertain significance (6). Last evaluated 2025-03-23.

Conditions:
UGT1A1-related disorder. Also called: UGT1A1-related condition; UGT1A1-related disorders.
Lucey-Driscoll syndrome (HBLRTFN). Also called: Transient familial neonatal hyperbilirubinemia. Identifiers: Orphanet 2312, MedGen C0270210, MONDO:0009383, OMIM 237900.
Crigler-Najjar syndrome. Identifiers: Orphanet 205, MedGen C5551003, MONDO:0009044.
Gilbert syndrome. Also called: Gilbert's syndrome; Gilbert Disease; HYPERBILIRUBINEMIA, GILBERT TYPE; HYPERBILIRUBINEMIA I; HYPERBILIRUBINEMIA, ARIAS TYPE. Identifiers: MedGen C0017551, MONDO:0007745, OMIM 143500.

Allele frequency attached by ClinVar (database versions not stated): TOPMed 0.00003; gnomAD 0.00005; gnomAD exomes 0.00005 and 0.00006; ExAC 0.00010.
gnomAD v4.1: 87 of 1,614,090 alleles (0.0054%); highest among the groups gnomAD compares: Non-Finnish European, 0.0066%; no homozygotes.

Submissions (6):

PreventionGenetics, part of Exact Sciences
Classification: Uncertain significance for UGT1A1-related condition. Last evaluated: 2025-03-23. Review status: criteria provided, single submitter. Criteria: ACMG Guidelines, 2015. Collection method: clinical testing. Allele origin: germline.
Comment: The UGT1A1 c.142C>G variant is predicted to result in the amino acid substitution p.Gln48Glu. To our knowledge, this variant has not been reported in the literature. This variant is reported in 0.013% of alleles in individuals of European (Non-Finnish) descent in gnomAD. At this time, the clinical significance of this variant is uncertain due to the absence of conclusive functional and genetic evidence.

Revvity Omics, Revvity
Classification: Uncertain significance. Last evaluated: 2024-04-29. Review status: criteria provided, single submitter. Criteria: ACMG Guidelines, 2015. Collection method: clinical testing. Allele origin: germline.

Eurofins Ntd Llc (ga)
Classification: Uncertain significance. Last evaluated: 2018-06-11. Review status: criteria provided, single submitter. Criteria: EGL ClinVar v180209 classification definitions. Collection method: clinical testing. Allele origin: germline. Observed: 2 variant alleles, 2 heterozygotes.

Illumina Laboratory Services, Illumina
Classification: Uncertain significance for Lucey-Driscoll syndrome. Last evaluated: 2017-04-27. Review status: criteria provided, single submitter. Criteria: ICSL Variant Classification Criteria 13 December 2019. Collection method: clinical testing. Allele origin: germline.

Illumina Laboratory Services, Illumina
Classification: Uncertain significance for Crigler-Najjar syndrome. Last evaluated: 2017-04-27. Review status: criteria provided, single submitter. Criteria: ICSL Variant Classification Criteria 13 December 2019. Collection method: clinical testing. Allele origin: germline.

Illumina Laboratory Services, Illumina
Classification: Uncertain significance for Gilbert syndrome. Last evaluated: 2017-04-27. Review status: criteria provided, single submitter. Criteria: ICSL Variant Classification Criteria 13 December 2019. Collection method: clinical testing. Allele origin: germline.

NM_000463.3(UGT1A1):c.142C>G (p.Gln48Glu)

Genes: UGT1A1 (UDP glucuronosyltransferase family 1 member A1; plus strand), UGT1A10 (UDP glucuronosyltransferase family 1 member A10; plus strand), UGT1A (UDP glucuronosyltransferase family 1 member A complex locus; plus strand), UGT1A3 (UDP glucuronosyltransferase family 1 member A3; plus strand), UGT1A4 (UDP glucuronosyltransferase family 1 member A4; plus strand) and 5 more. Cytogenetic location: 2q37.1.
Variant type: single nucleotide variant.
Coding change: c.142C>G on transcript NM_000463.3 (MANE Select); coding-DNA position 142, C replaced by G.
Protein change: p.Gln48Glu; replaces glutamine 48 with glutamic acid.
Molecular consequence: missense variant. On other transcripts: intron variant (9).
Genome position (GRCh38, 1-based): chr2:233,760,429, C>G. VCF-style: chr2-233760429-C-G. GRCh37 (hg19) VCF-style: chr2-234669075-C-G.
Other names: c.856-6605C>G (NM_019076.5, NM_019075.4, NM_021027.3 and 1 more transcripts); c.61-6605C>G (NM_205862.3); c.862-6605C>G (NM_001072.4); c.868-6605C>G (NM_019078.2, NM_007120.3, NM_019093.4); short protein forms Q48E.
Identifiers: ClinVar variation 597578 (VCV000597578.11), dbSNP rs747942373, ClinGen allele CA2179779.